The following is an entry in ClinVar:

NM_000390.4(CHM):c.315-4595T>A

Gene: CHM (CHM Rab escort protein; minus strand). Cytogenetic location: Xq21.2.
Variant type: single nucleotide variant.
Coding change: c.315-4595T>A on transcript NM_000390.4 (MANE Select); 4595 bases into the intron before coding-DNA position 315, T replaced by A.
Molecular consequence: intron variant.
Genome position (GRCh38, 1-based): chrX:85,968,647, A>T on the plus strand (T>A on the coding strand, the complement: CHM is on the minus strand). VCF-style: chrX-85968647-A-T. GRCh37 (hg19) VCF-style: chrX-85223652-A-T.
Other names: c.-126-4599T>A (NM_001362519.1, NM_001362518.2); c.-130-4595T>A (NM_001362517.1, NM_001320959.1).
Identifiers: ClinVar variation 4984502 (VCV004984502.1).

ClinVar aggregate classification (germline): Likely benign (1 of 4 stars; one submission).

Conditions:
CHM-related disorder. Also called: CHM-related condition.

Submission:

PreventionGenetics, part of Exact Sciences
Classification: Likely benign for CHM-related condition. Last evaluated: 2025-05-10. Review status: criteria provided, single submitter. Criteria: ACMG Guidelines, 2015. Collection method: clinical testing. Allele origin: germline.
Comment: This variant is classified as likely benign based on ACMG/AMP sequence variant interpretation guidelines (Richards et al. 2015 PMID: 25741868, with internal and published modifications).